The following is an entry in ClinVar:

NM_016335.6(PRODH):c.1133T>A (p.Met378Lys)

Gene: PRODH (proline dehydrogenase 1; minus strand). Cytogenetic location: 22q11.21.
Variant type: single nucleotide variant.
Coding change: c.1133T>A on transcript NM_016335.6 (MANE Select); coding-DNA position 1133, T replaced by A.
Protein change: p.Met378Lys; replaces methionine 378 with lysine.
Molecular consequence: missense variant.
Genome position (GRCh38, 1-based): chr22:18,919,569, A>T on the plus strand (T>A on the coding strand, the complement: PRODH is on the minus strand). VCF-style: chr22-18919569-A-T. GRCh37 (hg19) VCF-style: chr22-18907082-A-T.
Other names: c.809T>A, p.Met270Lys (NM_001195226.2); short protein forms M270K, M378K.
Identifiers: ClinVar variation 1397116 (VCV001397116.7), dbSNP rs752953633, ClinGen allele CA10095060.

ClinVar aggregate classification (germline): Uncertain significance. Review status: criteria provided, multiple submitters, no conflicts (2 of 4 stars). 2 submissions from 2 submitters: Uncertain significance (2). Last evaluated 2024-05-20.

Conditions:
Proline dehydrogenase deficiency (HYRPRO1). Also called: Hyperprolinemia type 1; PROLINE OXIDASE DEFICIENCY. Identifiers: Orphanet 419, MedGen C0268529, MONDO:0009400, OMIM 239500.
Schizophrenia 4 (SCZD4). Also called: SCHIZOPHRENIA, SUSCEPTIBILITY TO, 4; SCHIZOPHRENIA SUSCEPTIBILITY LOCUS, CHROMOSOME 22q11-RELATED. Identifiers: MedGen C1833247, MONDO:0010943, OMIM 600850.

Allele frequency attached by ClinVar (database versions not stated): gnomAD exomes below 0.00001; ExAC 0.00001.

Submissions (2):

Fulgent Genetics
Classification: Uncertain significance for Proline dehydrogenase deficiency; Schizophrenia 4. Last evaluated: 2024-05-20. Review status: criteria provided, single submitter. Criteria: ACMG Guidelines, 2015. Collection method: clinical testing. Allele origin: germline.

Labcorp Genetics (formerly Invitae), Labcorp
Classification: Uncertain significance for Proline dehydrogenase deficiency. Last evaluated: 2022-01-15. Review status: criteria provided, single submitter. Criteria: Invitae Variant Classification Sherloc (09022015). Collection method: clinical testing. Allele origin: germline.
Comment: This sequence change replaces methionine, which is neutral and non-polar, with lysine, which is basic and polar, at codon 378 of the PRODH protein (p.Met378Lys). This variant is present in population databases (rs752953633, gnomAD 0.0009%). This variant has not been reported in the literature in individuals affected with PRODH-related conditions. Algorithms developed to predict the effect of missense changes on protein structure and function (SIFT, PolyPhen-2, Align-GVGD) all suggest that this variant is likely to be disruptive. In summary, the available evidence is currently insufficient to determine the role of this variant in disease. Therefore, it has been classified as a Variant of Uncertain Significance.